The following is an entry in ClinVar:

NM_002857.4(PEX19):c.*8C>T

Gene: PEX19 (peroxisomal biogenesis factor 19; minus strand). Cytogenetic location: 1q23.2.
Variant type: single nucleotide variant.
Coding change: c.*8C>T on transcript NM_002857.4 (MANE Select); 8 bases downstream of the stop codon, C replaced by T.
Molecular consequence: 3 prime UTR variant. On other transcripts: non-coding transcript variant (2).
Genome position (GRCh38, 1-based): chr1:160,279,543, G>A on the plus strand (C>T on the coding strand, the complement: PEX19 is on the minus strand). VCF-style: chr1-160279543-G-A. GRCh37 (hg19) VCF-style: chr1-160249333-G-A.
Other names: c.*16C>T (NM_001193644.1).
Identifiers: ClinVar variation 4979953 (VCV004979953.1).

ClinVar aggregate classification (germline): Uncertain significance (1 of 4 stars; one submission).

Conditions:
PEX19-related disorder. Also called: PEX19-related condition.

gnomAD v4.1: 56 of 1,610,510 alleles (0.0035%); highest among the groups gnomAD compares: Non-Finnish European, 0.0046%; no homozygotes.

Submission:

PreventionGenetics, part of Exact Sciences
Classification: Uncertain significance for PEX19-related condition. Last evaluated: 2025-01-15. Review status: criteria provided, single submitter. Criteria: ACMG Guidelines, 2015. Collection method: clinical testing. Allele origin: germline.
Comment: The PEX19 c.*8C>T variant is located in the 3' untranslated region. To our knowledge, this variant has not been reported in the literature. This variant is reported in 0.0026% of alleles in individuals of European (Non-Finnish) descent in gnomAD. At this time, the clinical significance of this variant is uncertain due to the absence of conclusive functional and genetic evidence.